The following is an entry in ClinVar:

NM_016599.5(MYOZ2):c.264G>T (p.Gln88His)

Gene: MYOZ2 (myozenin 2; plus strand). Cytogenetic location: 4q26.
Variant type: single nucleotide variant.
Coding change: c.264G>T on transcript NM_016599.5 (MANE Select); coding-DNA position 264, G replaced by T.
Protein change: p.Gln88His; replaces glutamine 88 with histidine.
Molecular consequence: missense variant.
Genome position (GRCh38, 1-based): chr4:119,158,039, G>T. VCF-style: chr4-119158039-G-T. GRCh37 (hg19) VCF-style: chr4-120079194-G-T.
Other names: c.264G>T, p.Gln88His (NM_001440645.1, NM_001440646.1); short protein forms Q88H.
Identifiers: ClinVar variation 4614655 (VCV004614655.1).
Genomic context (GRCh38, chr4:119,158,039, plus strand): 5'-CATTTTTGAGTTTTCAGCAGAGTTTACTTTTGATTAAATACAGCACAGTATTGCTATGCA[G>T]AATGGGAAAGTGGATGGAAGTAACTTGGAAGGTGGTTCGCAGCAAGCCCCCTTGACTCCT-3'
Protein context (NP_057683.1, residues 78-98): RAQINHSIAM[Gln88His]NGKVDGSNLE

ClinVar aggregate classification (germline): Uncertain significance (1 of 4 stars; one submission).

Conditions:
Cardiovascular phenotype. Identifiers: MedGen CN230736.

Submission:

Ambry Genetics
Classification: Uncertain significance for Cardiovascular phenotype. Last evaluated: 2025-10-23. Review status: criteria provided, single submitter. Criteria: Ambry Variant Classification Scheme 2023. Collection method: clinical testing. Allele origin: germline.
Comment: The p.Q88H variant (also known as c.264G>T), located in coding exon 3 of the MYOZ2 gene, results from a G to T substitution at nucleotide position 264. The glutamine at codon 88 is replaced by histidine, an amino acid with highly similar properties. This amino acid position is conserved. In addition, this alteration is predicted to be tolerated by in silico analysis. Based on the available evidence, the clinical significance of this variant remains unclear.